The following is an entry in ClinVar:

ClinVar aggregate classification (germline): Benign (1 of 4 stars; one submission).

Submission:

Women's Health and Genetics/Laboratory Corporation of America, LabCorp
Classification: Benign. Last evaluated: 2020-03-10. Review status: criteria provided, single submitter. Criteria: LabCorp Variant Classification Summary - May 2015. Collection method: clinical testing. Allele origin: germline.
Comment: Variant summary: NF1 c.61-14dupT alters a non-conserved nucleotide located close to a canonical splice site and therefore could affect mRNA splicing, leading to a significantly altered protein sequence. 4/4 computational tools predict no significant impact on normal splicing. However, these predictions have yet to be confirmed by functional studies. The variant allele was found at a frequency of 0.024 in 139090 control chromosomes in the gnomAD database, including 3 homozygotes. The observed variant frequency is approximately 9778-fold of the estimated maximal expected allele frequency for a pathogenic variant in NF1 causing Noonan Syndrome and Related Conditions phenotype (2.5e-06), strongly suggesting that the variant is benign. To our knowledge, no occurrence of c.61-14dupT in individuals affected with Noonan Syndrome and Related Conditions and no experimental evidence demonstrating its impact on protein function have been reported. No clinical diagnostic laboratories have submitted clinical-significance assessments for this variant to ClinVar after 2014. Based on the evidence outlined above, the variant was classified as benign.

Literature cited by the submitters: PubMed 10678181; PubMed 23460398; PubMed 27069254.

NM_001042492.3(NF1):c.61-14dup

Gene: NF1 (neurofibromin 1; plus strand). Cytogenetic location: 17q11.2.
Variant type: Duplication.
Coding change: c.61-14dup on transcript NM_001042492.3 (MANE Select); 14 bases into the intron before coding-DNA position 61, one base duplicated (T; older notation c.61-14dupT).
Molecular consequence: intron variant.
Genome position (GRCh38, 1-based): chr17:31,155,969, T duplicated; the last of 10 consecutive T bases (chr17:31,155,960-31,155,969); duplicating any one gives the same sequence. VCF-style (leftmost placement, unchanged base first): chr17-31155959-G-GT. GRCh37 (hg19) VCF-style: chr17-29482977-G-GT.
Other names: c.61-14dupT (NM_000267.3); c.61-14dup (NM_000267.4, NM_001128147.3).
Identifiers: ClinVar variation 918107 (VCV000918107.1), dbSNP rs376172637, ClinGen allele CA8485454.
Genomic context (GRCh38, chr17:31,155,959, plus strand): 5'-CATGATTTTCAATGGCAAGTAAGTTATTTATGGTCGTTTTTAAGGATAAGCTGTTAACGT[G>GT]TTTTTTTTTTCTTTTTTTTTCAGCTTCCAATAAAAACAGGACAGCAGAACACACATACCA-3'